The following is an entry in ClinVar:

NM_001033855.3(DCLRE1C):c.1246_1247insCGCTGTTCATTATAGCTACTCTCATAACCCTCAACACCCACTCCCTCTTAGCCAATATGGCTAAG (p.Phe416fs)

Gene: DCLRE1C (DNA cross-link repair 1C; minus strand). Cytogenetic location: 10p13.
Variant type: Insertion.
Coding change: c.1246_1247insCGCTGTTCATTATAGCTACTCTCATAACCCTCAACACCCACTCCCTCTTAGCCAATATGGCTAAG on transcript NM_001033855.3 (MANE Select); coding-DNA positions 1246 to 1247, CGCTGTTCATTATAGCTACTCTCATAACCCTCAACACCCACTCCCTCTTAGCCAATATGGCTAAG inserted.
Protein change: p.Phe416fs; shifts the reading frame from phenylalanine 416.
Molecular consequence: frameshift variant. On other transcripts: non-coding transcript variant (4).
Genome position: GRCh38: chr10:14,909,240-14,909,241. GRCh37 (hg19): chr10:14,951,239-14,951,240.
Other names: c.886_887insCGCTGTTCATTATAGCTACTCTCATAACCCTCAACACCCACTCCCTCTTAGCCAATATGGCTAAG, p.Phe296fs (NM_001033857.3, NM_001033858.3, NM_001289077.2 and 2 more transcripts); c.901_902insCGCTGTTCATTATAGCTACTCTCATAACCCTCAACACCCACTCCCTCTTAGCCAATATGGCTAAG, p.Phe301fs (NM_001289076.2, NM_001289078.2, NM_001350966.2 and 1 more transcripts); c.1246_1247insCGCTGTTCATTATAGCTACTCTCATAACCCTCAACACCCACTCCCTCTTAGCCAATATGGCTAAG, p.Phe416fs (NM_001350965.2); short protein forms F296fs, F416fs, F301fs.
Identifiers: ClinVar variation 2120785 (VCV002120785.4), dbSNP rs1259009542, ClinGen allele CA2580081360.

ClinVar aggregate classification (germline): Pathogenic (1 of 4 stars; one submission).

Conditions:
Severe combined immunodeficiency due to DCLRE1C deficiency (RS-SCID). Also called: SCID, AUTOSOMAL RECESSIVE, T CELL-NEGATIVE, B CELL-NEGATIVE, NK CELL-POSITIVE, WITH SENSITIVITY TO IONIZING RADIATION. Identifiers: Orphanet 275, MedGen C1865371, MONDO:0011225, OMIM 602450.

Submission:

Labcorp Genetics (formerly Invitae), Labcorp
Classification: Pathogenic for Athabaskan severe combined immunodeficiency. Last evaluated: 2022-04-01. Review status: criteria provided, single submitter. Criteria: Invitae Variant Classification Sherloc (09022015). Collection method: clinical testing. Allele origin: germline.
Comment: This sequence change creates a premature translational stop signal (p.Phe416Serfs*25) in the DCLRE1C gene. While this is not anticipated to result in nonsense mediated decay, it is expected to disrupt the last 277 amino acid(s) of the DCLRE1C protein. For these reasons, this variant has been classified as Pathogenic. This variant disrupts a region of the DCLRE1C protein in which other variant(s) (p.Cys436*) have been determined to be pathogenic (PMID: 20674517, 22527898, 25917813, 29167666). This suggests that this is a clinically significant region of the protein, and that variants that disrupt it are likely to be disease-causing. Algorithms developed to predict the effect of sequence changes on RNA splicing suggest that this variant may disrupt the consensus splice site. This variant has not been reported in the literature in individuals affected with DCLRE1C-related conditions. This variant is not present in population databases (gnomAD no frequency).

Literature cited by the submitters: PubMed 20674517; PubMed 22527898; PubMed 25917813; PubMed 29167666.